The following is an entry in ClinVar:

NM_174936.4(PCSK9):c.*265C>T

Gene: PCSK9 (proprotein convertase subtilisin/kexin type 9; plus strand). Cytogenetic location: 1p32.3.
Variant type: single nucleotide variant.
Coding change: c.*265C>T on transcript NM_174936.4 (MANE Select); 265 bases downstream of the stop codon, C replaced by T.
Molecular consequence: 3 prime UTR variant.
Genome position (GRCh38, 1-based): chr1:55,063,849, C>T. VCF-style: chr1-55063849-C-T. GRCh37 (hg19) VCF-style: chr1-55529522-C-T.
Other names: c.*265C>T (NM_001407240.1, NM_001407241.1, NM_001407242.1 and 5 more transcripts).
Identifiers: ClinVar variation 873732 (VCV000873732.5), dbSNP rs368297335, ClinGen allele CA22768808.

ClinVar aggregate classification (germline): Benign/Likely benign. Review status: criteria provided, single submitter (1 of 4 stars). 2 submissions from 1 submitter: Benign (1); Likely benign (1). Last evaluated 2017-04-28.

Conditions:
Hypercholesterolemia, autosomal dominant, 3 (FHCL3). Also called: PCSK9-Related Familial Hypercholesterolemia, Autosomal Dominant; Familial Hypercholesterolemia, Autosomal Dominant, 3; Familial hypercholesterolemia 3. Identifiers: MedGen C1863551, MONDO:0011369, OMIM 603776.
Hypobetalipoproteinemia. Identifiers: Orphanet 31154, MedGen C0020597, MONDO:0017774.

Allele frequency attached by ClinVar (database versions not stated): gnomAD 0.00037 and 0.00001; 1000 Genomes Project 30x 0.00172; 1000 Genomes Project 0.00220; TOPMed 0.00005.
gnomAD v4.1: 403 of 553,258 alleles (0.073%); highest among the groups gnomAD compares: South Asian, 0.87%; 6 homozygotes.

Submissions (2):

Illumina Laboratory Services, Illumina
Classification: Benign for Hypobetalipoproteinemia. Last evaluated: 2017-04-28. Review status: criteria provided, single submitter. Criteria: ICSL Variant Classification Criteria 13 December 2019. Collection method: clinical testing. Allele origin: germline.
Comment: This variant was observed as part of a predisposition screen in an ostensibly healthy population. A literature search was performed for the gene, cDNA change, and amino acid change (where applicable). No publications were found based on this search. Allele frequency data from public databases was too high to be consistent with this variant causing disease. Therefore, this variant is classified as benign.

Illumina Laboratory Services, Illumina
Classification: Likely benign for Hypercholesterolemia, autosomal dominant, 3. Last evaluated: 2017-04-28. Review status: criteria provided, single submitter. Criteria: ICSL Variant Classification Criteria 13 December 2019. Collection method: clinical testing. Allele origin: germline.
Comment: This variant was observed as part of a predisposition screen in an ostensibly healthy population. A literature search was performed for the gene, cDNA change, and amino acid change (where applicable). No publications were found based on this search. Allele frequency data from public databases allowed determination this variant is unlikely to cause disease. Therefore, this variant is classified as likely benign.